The following is an entry in ClinVar:

ClinVar aggregate classification (germline): Uncertain significance (1 of 4 stars; one submission).

gnomAD v4.1: 1 of 1,614,168 alleles (0.000062%); highest among the groups gnomAD compares: East Asian, 0.0022%; no homozygotes.

Submission:

Labcorp Genetics (formerly Invitae), Labcorp
Classification: Uncertain significance. Last evaluated: 2022-09-21. Review status: criteria provided, single submitter. Criteria: Invitae Variant Classification Sherloc (09022015). Collection method: clinical testing. Allele origin: germline.
Comment: In summary, the available evidence is currently insufficient to determine the role of this variant in disease. Therefore, it has been classified as a Variant of Uncertain Significance. Advanced modeling of protein sequence and biophysical properties (such as structural, functional, and spatial information, amino acid conservation, physicochemical variation, residue mobility, and thermodynamic stability) performed at Invitae indicates that this missense variant is not expected to disrupt CTNNA1 protein function. This variant has not been reported in the literature in individuals affected with CTNNA1-related conditions. This variant is not present in population databases (gnomAD no frequency). This sequence change replaces aspartic acid, which is acidic and polar, with glutamic acid, which is acidic and polar, at codon 266 of the CTNNA1 protein (p.Asp266Glu).

NM_001903.5(CTNNA1):c.798T>G (p.Asp266Glu)

Gene: CTNNA1 (catenin alpha 1; plus strand). Cytogenetic location: 5q31.2.
Variant type: single nucleotide variant.
Coding change: c.798T>G on transcript NM_001903.5 (MANE Select); coding-DNA position 798, T replaced by G.
Protein change: p.Asp266Glu; replaces aspartic acid 266 with glutamic acid.
Molecular consequence: missense variant.
Genome position (GRCh38, 1-based): chr5:138,824,739, T>G. VCF-style: chr5-138824739-T-G. GRCh37 (hg19) VCF-style: chr5-138160428-T-G.
Other names: c.798T>G, p.Asp266Glu (NM_001323986.2, NM_001290307.3, NM_001323982.2 and 3 more transcripts); c.489T>G, p.Asp163Glu (NM_001290309.3); c.429T>G, p.Asp143Glu (NM_001290310.3); short protein forms D143E, D163E, D266E.
Identifiers: ClinVar variation 1719958 (VCV001719958.5), dbSNP rs753315633, ClinGen allele CA361130074.
Genomic context (GRCh38, chr5:138,824,739, plus strand): 5'-GCAGCTGCAGCAGGCGGTCACAGGCATTTCCAATGCAGCCCAGGCCACTGCCTCAGACGA[T>G]GCCTCACAGCACCAGGGTGGAGGAGGAGGAGAACTGGCATATGCACTCAATAACTTTGAC-3'
Protein context (NP_001894.2, residues 256-276): SNAAQATASD[Asp266Glu]ASQHQGGGGG